The following is an entry in ClinVar:

ClinVar aggregate classification (germline): Pathogenic. Review status: criteria provided, multiple submitters, no conflicts (2 of 4 stars). 3 submissions from 3 submitters: Pathogenic (3). Last evaluated 2024-04-25.

Conditions:
Becker muscular dystrophy, Cardiomyopathy, Duchenne muscular dystrophy, Dystrophin deficiency.
Duchenne muscular dystrophy (DMD). Also called: Duchenne Muscular Dystrophy (DMD); MUSCULAR DYSTROPHY, PSEUDOHYPERTROPHIC PROGRESSIVE, DUCHENNE TYPE. Identifiers: Orphanet 98896, MedGen C0013264, MONDO:0010679, OMIM 310200.

Submissions (3):

Natera, Inc.
Classification: Pathogenic for Becker muscular dystrophy, Cardiomyopathy, Duchenne muscular dystrophy, Dystrophin deficiency. Last evaluated: 2024-04-25. Review status: criteria provided, single submitter. Criteria: Natera Variant Classification Schema (03/2026). Collection method: clinical testing. Allele origin: germline.
Comment: The c.4057G>T variant in DMD is a nonsense variant predicted to introduce a stop codon at amino acid 1353. This variant is expected to result in nonsense mediated decay, truncation, or a dysfunctional protein product. This variant is rare in the general population with a frequency below the threshold expected for the associated phenotype(s). This variant has been observed in affected individual(s) with monoallelic occurrence (heterozygous/hemizygous) (PMID: 23453023, 16331671). Given the available evidence, this variant is classified as Pathogenic.

Revvity Omics, Revvity
Classification: Pathogenic. Last evaluated: 2022-11-17. Review status: criteria provided, single submitter. Criteria: ACMG Guidelines, 2015. Collection method: clinical testing. Allele origin: germline.

Labcorp Genetics (formerly Invitae), Labcorp
Classification: Pathogenic for Duchenne muscular dystrophy. Last evaluated: 2022-01-12. Review status: criteria provided, single submitter. Criteria: Invitae Variant Classification Sherloc (09022015). Collection method: clinical testing. Allele origin: germline.
Comment: For these reasons, this variant has been classified as Pathogenic. Algorithms developed to predict the effect of sequence changes on RNA splicing suggest that this variant may create or strengthen a splice site. ClinVar contains an entry for this variant (Variation ID: 934553). This premature translational stop signal has been observed in individuals with Duchenne muscular dystrophy (PMID: 16331671, 23453023). This variant is not present in population databases (gnomAD no frequency). This sequence change creates a premature translational stop signal (p.Glu1353*) in the DMD gene. It is expected to result in an absent or disrupted protein product. Loss-of-function variants in DMD are known to be pathogenic (PMID: 16770791, 25007885).

Literature cited by the submitters: PubMed 23453023 (cited by Natera, Inc. and Labcorp Genetics (formerly Invitae), Labcorp); PubMed 16331671 (cited by Natera, Inc. and Labcorp Genetics (formerly Invitae), Labcorp); PubMed 16770791 (cited by Labcorp Genetics (formerly Invitae), Labcorp); PubMed 25007885 (cited by Labcorp Genetics (formerly Invitae), Labcorp).

NM_004006.3(DMD):c.4057G>T (p.Glu1353Ter)

Gene: DMD (dystrophin; minus strand). Cytogenetic location: Xp21.1.
Variant type: single nucleotide variant.
Coding change: c.4057G>T on transcript NM_004006.3 (MANE Select); coding-DNA position 4057, G replaced by T.
Protein change: p.Glu1353Ter; replaces glutamic acid 1353 with a stop codon.
Molecular consequence: nonsense.
Genome position (GRCh38, 1-based): chrX:32,438,255, C>A on the plus strand (G>T on the coding strand, the complement: DMD is on the minus strand). VCF-style: chrX-32438255-C-A. GRCh37 (hg19) VCF-style: chrX-32456372-C-A.
Other names: c.4033G>T, p.Glu1345Ter (NM_000109.4); c.4045G>T, p.Glu1349Ter (NM_004009.3); c.3688G>T, p.Glu1230Ter (NM_004010.3); short protein forms E1230*, E1345*, E1353*, E1349*.
Identifiers: ClinVar variation 934553 (VCV000934553.14), dbSNP rs907237595, ClinGen allele CA412669229.
Genomic context (GRCh38, chrX:32,438,255, plus strand): 5'-CATTAATGCAAATTAGATTAAAGAGATTTTTCACTTATCTTCATACCTCTTCATGTAGTT[C>A]CCTCCAACGAGAATTAAATGTCTCAAGTTCCTCATTGATTAGCTCATCCATGACTCCGCC-3'